The following is an entry in ClinVar:

NM_003571.4(BFSP2):c.892-3C>G

Genes: BFSP2 (beaded filament structural protein 2; plus strand), BFSP2-AS1 (BFSP2 antisense RNA 1; minus strand), LOC129937591 (ATAC-STARR-seq lymphoblastoid active region 20543; plus strand). Cytogenetic location: 3q22.1.
Variant type: single nucleotide variant.
Coding change: c.892-3C>G on transcript NM_003571.4 (MANE Select); 3 bases into the intron before coding-DNA position 892, C replaced by G.
Molecular consequence: intron variant.
Genome position (GRCh38, 1-based): chr3:133,466,825, C>G. VCF-style: chr3-133466825-C-G. GRCh37 (hg19) VCF-style: chr3-133185669-C-G.
Identifiers: ClinVar variation 2632114 (VCV002632114.1), dbSNP rs754118418, ClinGen allele CA83625475.
Genomic context (GRCh38, chr3:133,466,825, plus strand): 5'-GAAGGAAGGATGGGCTCAGATTTCTGATCATCACCGCTCACACTGAGACCTGACTCTCCA[C>G]AGCAACAGGCGGAGGTGGCCCACATGTCCCAGACCCAGGAGGAGAAGCTGGCAGCTGCCC-3'

ClinVar aggregate classification (germline): Uncertain significance (1 of 4 stars; one submission).

Conditions:
BFSP2-related disorder. Also called: BFSP2-related condition.

gnomAD v4.1: 1 of 1,613,478 alleles (0.000062%); highest among the groups gnomAD compares: Non-Finnish European, 0.000085%; no homozygotes.

Submission:

PreventionGenetics, part of Exact Sciences
Classification: Uncertain significance for BFSP2-related condition. Last evaluated: 2022-12-29. Review status: criteria provided, single submitter. Criteria: ACMG Guidelines, 2015. Collection method: clinical testing. Allele origin: germline.
Comment: The BFSP2 c.892-3C>G variant is predicted to interfere with splicing. This variant is predicted to impact splicing based on splicing prediction programs (Alamut Visual Plus v.1.6.1). However, these predictions are not equivalent to functional data. To our knowledge, this variant has not been reported in the literature or in a large population database, indicating this variant is rare. At this time, the clinical significance of this variant is uncertain due to the absence of conclusive functional and genetic evidence.